The following is an entry in ClinVar:

ClinVar aggregate classification (germline): Uncertain significance (1 of 4 stars; one submission).

Allele frequency attached by ClinVar (database versions not stated): gnomAD exomes below 0.00001.
gnomAD v4.1: 1 of 1,580,664 alleles (0.000063%); highest among the groups gnomAD compares: Non-Finnish European, 0.000086%; no homozygotes.

Submission:

Ambry Genetics
Classification: Uncertain significance. Last evaluated: 2023-08-06. Review status: criteria provided, single submitter. Criteria: Ambry Variant Classification Scheme 2023. Collection method: clinical testing. Allele origin: germline.
Comment: The p.A622S variant (also known as c.1864G>T), located in coding exon 17 of the PRKDC gene, results from a G to T substitution at nucleotide position 1864. The alanine at codon 622 is replaced by serine, an amino acid with similar properties. This amino acid position is conserved. In addition, this alteration is predicted to be tolerated by in silico analysis. Since supporting evidence is limited at this time, the clinical significance of this alteration remains unclear.

NM_006904.7(PRKDC):c.1864G>T (p.Ala622Ser)

Gene: PRKDC (protein kinase, DNA-activated, catalytic subunit; minus strand). Cytogenetic location: 8q11.21.
Variant type: single nucleotide variant.
Coding change: c.1864G>T on transcript NM_006904.7 (MANE Select); coding-DNA position 1864, G replaced by T.
Protein change: p.Ala622Ser; replaces alanine 622 with serine.
Molecular consequence: missense variant.
Genome position (GRCh38, 1-based): chr8:47,930,700, C>A on the plus strand (G>T on the coding strand, the complement: PRKDC is on the minus strand). VCF-style: chr8-47930700-C-A. GRCh37 (hg19) VCF-style: chr8-48843260-C-A.
Other names: c.1864G>T, p.Ala622Ser (NM_001081640.2); short protein forms A622S.
Identifiers: ClinVar variation 2626352 (VCV002626352.2), dbSNP rs2551878760, ClinGen allele CA371164679.